The following is an entry in ClinVar:

ClinVar aggregate classification (germline): Uncertain significance (1 of 4 stars; one submission).

Conditions:
Hereditary cancer-predisposing syndrome. Also called: Neoplastic Syndromes, Hereditary; Tumor predisposition; Hereditary Cancer Syndrome; Hereditary neoplastic syndrome. Identifiers: Orphanet 140162, MedGen C0027672, MeSH D009386, MONDO:0015356.

Submission:

Ambry Genetics
Classification: Uncertain significance for Hereditary cancer-predisposing syndrome. Last evaluated: 2026-01-26. Review status: criteria provided, single submitter. Criteria: Ambry Variant Classification Scheme 2023. Collection method: clinical testing. Allele origin: germline.
Comment: The c.3781_3782delGCinsTT variant (also known as p.A1261L), located in coding exon 18 of the MET gene, results from an in-frame deletion of GC and insertion of TT at nucleotide positions 3781 to 3782. This results in the substitution of the alanine residue for a leucine residue at codon 1261, an amino acid with similar properties. This amino acid position is well conserved in available vertebrate species. Based on the available evidence, the clinical significance of this variant remains unclear.

NM_000245.4(MET):c.3727_3728delinsTT (p.Ala1243Leu)

Gene: MET (MET proto-oncogene, receptor tyrosine kinase; plus strand). Cytogenetic location: 7q31.2.
Variant type: Indel.
Coding change: c.3727_3728delinsTT on transcript NM_000245.4 (MANE Select); coding-DNA positions 3727 to 3728, GC replaced by TT.
Protein change: p.Ala1243Leu; replaces alanine 1243 with leucine.
Molecular consequence: missense variant.
Genome position (GRCh38, 1-based): chr7:116,783,398-116,783,399, GC replaced by TT. VCF-style: chr7-116783398-GC-TT. GRCh37 (hg19) VCF-style: chr7-116423452-GC-TT.
Other names: c.3781_3782delinsTT, p.Ala1261Leu (NM_001127500.3); c.2437_2438delinsTT, p.Ala813Leu (NM_001324402.2); short protein forms A1261L, A1243L, A813L.
Identifiers: ClinVar variation 4825341 (VCV004825341.1).